The following is an entry in ClinVar:

NM_015665.6(AAAS):c.464G>C (p.Arg155Pro)

Gene: AAAS (aladin WD repeat nucleoporin; minus strand). Cytogenetic location: 12q13.13.
Variant type: single nucleotide variant.
Coding change: c.464G>C on transcript NM_015665.6 (MANE Select); coding-DNA position 464, G replaced by C.
Protein change: p.Arg155Pro; replaces arginine 155 with proline.
Molecular consequence: missense variant. On other transcripts: intron variant (1).
Genome position (GRCh38, 1-based): chr12:53,314,832, C>G on the plus strand (G>C on the coding strand, the complement: AAAS is on the minus strand). VCF-style: chr12-53314832-C-G. GRCh37 (hg19) VCF-style: chr12-53708616-C-G.
Other names: c.446+262G>C (NM_001173466.2); short protein forms R155P.
Identifiers: ClinVar variation 2735893 (VCV002735893.3), dbSNP rs758440592, ClinGen allele CA385043756.

ClinVar aggregate classification (germline): Likely pathogenic (1 of 4 stars; one submission).

gnomAD v4.1: 1 of 1,613,828 alleles (0.000062%); highest among the groups gnomAD compares: Non-Finnish European, 0.000085%; no homozygotes.

Submission:

Labcorp Genetics (formerly Invitae), Labcorp
Classification: Likely pathogenic. Last evaluated: 2023-05-26. Review status: criteria provided, single submitter. Criteria: Invitae Variant Classification Sherloc (09022015). Collection method: clinical testing. Allele origin: germline.
Comment: This missense change has been observed in individuals with triple A syndrome (PMID: 15690314; Invitae). Advanced modeling of protein sequence and biophysical properties (such as structural, functional, and spatial information, amino acid conservation, physicochemical variation, residue mobility, and thermodynamic stability) performed at Invitae indicates that this missense variant is expected to disrupt AAAS protein function. This variant disrupts the p.Arg155 amino acid residue in AAAS. Other variant(s) that disrupt this residue have been determined to be pathogenic (PMID: 12700313, 16609705, 20674935, 31600784; Invitae). This suggests that this residue is clinically significant, and that variants that disrupt this residue are likely to be disease-causing. This sequence change replaces arginine, which is basic and polar, with proline, which is neutral and non-polar, at codon 155 of the AAAS protein (p.Arg155Pro). This variant is not present in population databases (gnomAD no frequency). In summary, the currently available evidence indicates that the variant is pathogenic, but additional data are needed to prove that conclusively. Therefore, this variant has been classified as Likely Pathogenic.

Literature cited by the submitters: PubMed 15690314; PubMed 12700313; PubMed 16609705; PubMed 20674935; PubMed 31600784.